The following is an entry in ClinVar:

NM_000489.6(ATRX):c.2875G>T (p.Asp959Tyr)

Gene: ATRX (ATRX chromatin remodeler; minus strand). Cytogenetic location: Xq21.1.
Variant type: single nucleotide variant.
Coding change: c.2875G>T on transcript NM_000489.6 (MANE Select); coding-DNA position 2875, G replaced by T.
Protein change: p.Asp959Tyr; replaces aspartic acid 959 with tyrosine.
Molecular consequence: missense variant.
Genome position (GRCh38, 1-based): chrX:77,682,381, C>A on the plus strand (G>T on the coding strand, the complement: ATRX is on the minus strand). VCF-style: chrX-77682381-C-A. GRCh37 (hg19) VCF-style: chrX-76937873-C-A.
Other names: c.2761G>T, p.Asp921Tyr (NM_138270.5); c.2875G>T (NM_000489.5); short protein forms D959Y, D921Y.
Identifiers: ClinVar variation 389447 (VCV000389447.15), dbSNP rs1057523431, ClinGen allele CA16609214.

ClinVar aggregate classification (germline): Conflicting classifications of pathogenicity. Review status: criteria provided, conflicting classifications (1 of 4 stars). 4 submissions from 4 submitters: Uncertain significance (2); Benign (1). 1 of the submissions does not count toward it. Last evaluated 2024-12-12.

Conditions:
Inborn genetic diseases. Identifiers: MedGen C0950123, MeSH D030342.
Alpha thalassemia-X-linked intellectual disability syndrome (ATRX). Also called: ALPHA-THALASSEMIA/MENTAL RETARDATION SYNDROME, X-LINKED; X-linked alpha-thalassemia-mental retardation syndrome; ATR-X syndrome; Alpha thalassemia mental retardation syndrome, nondeletion type, X-linked; XLMR hypotonic face syndrome; ATR, NONDELETION TYPE. Identifiers: Orphanet 847, MedGen C1845055, MONDO:0010519, OMIM 301040.

Allele frequency attached by ClinVar (database versions not stated): gnomAD 0.00001; TOPMed 0.00002; gnomAD exomes 0.00002.
gnomAD v4.1: 22 of 1,209,539 alleles (0.0018%); highest among the groups gnomAD compares: Non-Finnish European, 0.0023%; no homozygotes.

Submissions (4):

Labcorp Genetics (formerly Invitae), Labcorp
Classification: Benign for Alpha thalassemia-X-linked intellectual disability syndrome. Last evaluated: 2024-12-12. Review status: criteria provided, single submitter. Criteria: Invitae Variant Classification Sherloc (09022015). Collection method: clinical testing. Allele origin: germline.

GeneDx
Classification: Uncertain significance. Last evaluated: 2024-04-15. Review status: criteria provided, single submitter. Criteria: GeneDx Variant Classification Process June 2021. Collection method: clinical testing. Allele origin: germline. Affected: yes.
Comment: Not observed at significant frequency in large population cohorts (gnomAD); In silico analysis indicates that this missense variant does not alter protein structure/function; Has not been previously published as pathogenic or benign to our knowledge

Ambry Genetics
Classification: Uncertain significance for Inborn genetic diseases. Last evaluated: 2022-03-11. Review status: criteria provided, single submitter. Criteria: Ambry Variant Classification Scheme 2023. Collection method: clinical testing. Allele origin: germline.

Genetic Services Laboratory, University of Chicago
Classification: Uncertain significance. Last evaluated: 2022-12-02. Review status: no assertion criteria provided. Collection method: clinical testing. Allele origin: germline. Affected: no. Not counted in ClinVar's aggregate classification.
Comment: DNA sequence analysis of the ATRX gene demonstrated a sequence change, c.2875G>T, in exon 9 that results in an amino acid change, p.Asp959Tyr. This sequence change does not appear to have been previously described in individuals with ATRX-related disorders and has also not been described in population databases such as ExAC and gnomAD. The p.Asp959Tyr change affects a poorly conserved amino acid residue located in a domain of the ATRX protein that is not known to be functional. The p.Asp959Tyr substitution appears to benign using several in-silico pathogenicity prediction tools (SIFT, PolyPhen2, Align GVGD, REVEL). Due to insufficient evidences and the lack of functional studies, the clinical significance of the p.Asp959Tyr change remains unknown at this time. Pathogenic variants in ATRX have been identified in individuals with X-linked alpha-thalassemia/intellectual disability syndrome [OMIM#301040], a condition characterized by severe psychomotor retardation, characteristic facial features, genital anomalies and alpha-thalassemia. Pathogenic variants in ATRX have also been reported in individuals with X-linked non-syndromic ID. Pathogenic variants primarily result in a disease phenotype in males however some females with skewed X-inactivation and disease have been reported